The following is an entry in ClinVar:

NM_001114753.3(ENG):c.647del (p.Lys216fs)

Gene: ENG (endoglin; minus strand). Cytogenetic location: 9q34.11.
Variant type: Deletion.
Coding change: c.647del on transcript NM_001114753.3 (MANE Select); coding-DNA position 647, one base deleted (A; older notation c.647delA).
Protein change: p.Lys216fs; shifts the reading frame from lysine 216.
Molecular consequence: frameshift variant.
Genome position (GRCh38, 1-based): chr9:127,825,737, T deleted on the plus strand (A on the coding strand, the reverse complement: ENG is on the minus strand); the first of 2 consecutive T bases (chr9:127,825,737-127,825,738); deleting either gives the same sequence. VCF-style (leftmost placement, unchanged base first): chr9-127825736-CT-C. GRCh37 (hg19) VCF-style: chr9-130588015-CT-C.
Other names: c.646delA, p.Lys216Argfs (NM_000118.4, NM_001406715.1); c.101del, p.Lys34fs (NM_001278138.2); short protein forms K34fs, K216fs.
Identifiers: ClinVar variation 1753745 (VCV001753745.2), dbSNP rs2539075914, ClinGen allele CA2580079681.

ClinVar aggregate classification (germline): Pathogenic (1 of 4 stars; one submission).

Conditions:
Cardiovascular phenotype. Identifiers: MedGen CN230736.

Submission:

Ambry Genetics
Classification: Pathogenic for Cardiovascular phenotype. Last evaluated: 2018-05-07. Review status: criteria provided, single submitter. Criteria: Ambry Variant Classification Scheme 2023. Collection method: clinical testing. Allele origin: germline.
Comment: The c.647delA pathogenic mutation, located in coding exon 5 of the ENG gene, results from a deletion of one nucleotide at nucleotide position 647, causing a translational frameshift with a predicted alternate stop codon (p.K216Rfs*6). This mutation was reported in an individual with telangiectasias and arteriovenous malformations (AVMs) (Bossler AD et al. Hum. Mutat., 2006 Jul;27:667-75). In addition to the clinical data available in the literature, this alteration is expected to result in loss of function by premature protein truncation or nonsense-mediated mRNA decay. As such, this alteration is interpreted as a disease-causing mutation.

Literature cited by the submitters: PubMed 16752392.